The following is an entry in ClinVar:

NM_145199.3(LIPT1):c.-14C>T

Gene: LIPT1 (lipoyltransferase 1; plus strand). Cytogenetic location: 2q11.2.
Variant type: single nucleotide variant.
Coding change: c.-14C>T on transcript NM_145199.3 (MANE Select); 14 bases upstream of the start codon, C replaced by T.
Molecular consequence: 5 prime UTR variant. On other transcripts: non-coding transcript variant (1).
Genome position (GRCh38, 1-based): chr2:99,155,039, C>T. VCF-style: chr2-99155039-C-T. GRCh37 (hg19) VCF-style: chr2-99771502-C-T.
Other names: c.-140C>T (NM_015929.4); c.-268C>T (NM_145197.3); c.-256C>T (NM_145198.3).
Identifiers: ClinVar variation 384771 (VCV000384771.1), dbSNP rs533919549, ClinGen allele CA1797247.
Genomic context (GRCh38, chr2:99,155,039, plus strand): 5'-TTGCTCGGGGTCGTATGACGCACTTTTCCAGCTCGAGCCCTCACGAGGCCGTGGGTACGA[C>T]CGGAAGCCGCAGGTGGGTGAAGCGGAAACGCTTCAAACCGGGATGTTGCGGGCCGTAGCG-3'

ClinVar aggregate classification (germline): Likely benign (1 of 4 stars; one submission).

Allele frequency attached by ClinVar (database versions not stated): ExAC 0.00037; 1000 Genomes Project 0.00060; 1000 Genomes Project 30x 0.00062; TOPMed 0.00076; gnomAD exomes 0.00087 and 0.00115; gnomAD 0.00092.
gnomAD v4.1: 483 of 455,834 alleles (0.11%); highest among the groups gnomAD compares: Non-Finnish European, 0.17%; 3 homozygotes.

Submission:

GeneDx
Classification: Likely benign. Last evaluated: 2017-12-27. Review status: criteria provided, single submitter. Criteria: GeneDx Variant Classification (06012015). Collection method: clinical testing. Allele origin: germline. Affected: yes.
Comment: This variant is considered likely benign or benign based on one or more of the following criteria: it is a conservative change, it occurs at a poorly conserved position in the protein, it is predicted to be benign by multiple in silico algorithms, and/or has population frequency not consistent with disease.